The following is an entry in ClinVar:

ClinVar aggregate classification (germline): Likely benign (0 of 4 stars; one submission).

Conditions:
PLXNA1-related disorder. Also called: PLXNA1-related condition.

Allele frequency attached by ClinVar (database versions not stated): ExAC 0.00002; gnomAD 0.00004; TOPMed 0.00004; ESP Exome Variant Server 0.00008.
gnomAD v4.1: 83 of 1,613,586 alleles (0.0051%); highest among the groups gnomAD compares: Non-Finnish European, 0.0069%; no homozygotes.

Submission:

PreventionGenetics, part of Exact Sciences
Classification: Likely benign for PLXNA1-related condition. Last evaluated: 2022-10-05. Review status: no assertion criteria provided. Collection method: clinical testing. Allele origin: germline.
Comment: This variant is classified as likely benign based on ACMG/AMP sequence variant interpretation guidelines (Richards et al. 2015 PMID: 25741868, with internal and published modifications).

NM_032242.4(PLXNA1):c.2319C>T (p.Ser773=)

Gene: PLXNA1 (plexin A1; plus strand). Cytogenetic location: 3q21.3.
Variant type: single nucleotide variant.
Coding change: c.2319C>T on transcript NM_032242.4 (MANE Select); coding-DNA position 2319, C replaced by T.
Protein change: p.Ser773=; no amino-acid change (serine 773 retained).
Molecular consequence: synonymous variant.
Genome position (GRCh38, 1-based): chr3:127,014,025, C>T. VCF-style: chr3-127014025-C-T. GRCh37 (hg19) VCF-style: chr3-126732868-C-T.
Identifiers: ClinVar variation 3036181 (VCV003036181.2), dbSNP rs367838734, ClinGen allele CA2593581.